The following is an entry in ClinVar:

ClinVar aggregate classification (germline): Benign/Likely benign. Review status: criteria provided, multiple submitters, no conflicts (2 of 4 stars). 6 submissions from 6 submitters: Benign (2); Likely benign (4). Last evaluated 2026-01-04.

Conditions:
Hereditary cancer-predisposing syndrome. Also called: Hereditary Cancer Syndrome; Neoplastic Syndromes, Hereditary; Tumor predisposition; Hereditary neoplastic syndrome. Identifiers: Orphanet 140162, MedGen C0027672, MeSH D009386, MONDO:0015356.
Tuberous sclerosis syndrome (TSC). Also called: Tuberous Sclerosis Complex; Tuberous sclerosis. Identifiers: Orphanet 805, MedGen C0041341, MONDO:0001734.
Tuberous sclerosis 2 (TSC2). Identifiers: Orphanet 805, MedGen C1860707, MONDO:0013199, OMIM 613254.

Allele frequency attached by ClinVar (database versions not stated): gnomAD exomes below 0.00001; gnomAD 0.00001; TOPMed 0.00002.
gnomAD v4.1: 8 of 1,612,622 alleles (0.0005%); highest among the groups gnomAD compares: African/African-American, 0.0013%; no homozygotes.

Submissions (6):

Labcorp Genetics (formerly Invitae), Labcorp
Classification: Likely benign for Tuberous sclerosis 2. Last evaluated: 2026-01-04. Review status: criteria provided, single submitter. Criteria: Invitae Variant Classification Sherloc (09022015). Collection method: clinical testing. Allele origin: germline.

Myriad Genetics, Inc.
Classification: Benign for Tuberous sclerosis 2. Last evaluated: 2025-06-02. Review status: criteria provided, single submitter. Criteria: Myriad Autosomal Dominant, Autosomal Recessive and X-Linked Classification Criteria (2023). Collection method: clinical testing. Allele origin: unknown.
Comment: This variant is considered benign. This variant is a silent/synonymous amino acid change and it is not expected to impact splicing.

All of Us Research Program, National Institutes of Health
Classification: Likely benign for Tuberous sclerosis syndrome. Last evaluated: 2024-07-29. Review status: criteria provided, single submitter. Criteria: ACMG Guidelines, 2015. Collection method: clinical testing. Allele origin: germline. Inheritance: Autosomal dominant inheritance. Observed: 3 variant alleles, 3 heterozygotes.
Comment: This study involves interpretation of variants in research participants for the purpose of population health screening. Participant phenotype was not available at the time of variant classification. Additional details can be found in publication PMID: 35346344, PMCID: PMC8962531

Color Diagnostics, LLC DBA Color Health
Classification: Likely benign for Tuberous sclerosis syndrome. Last evaluated: 2022-10-05. Review status: criteria provided, single submitter. Criteria: ACMG Guidelines, 2015. Collection method: clinical testing. Allele origin: germline.

Genome-Nilou Lab
Classification: Benign for Tuberous sclerosis 2. Last evaluated: 2021-11-07. Review status: criteria provided, single submitter. Criteria: ACMG Guidelines, 2015. Collection method: clinical testing. Allele origin: germline. Affected: no.

Ambry Genetics
Classification: Likely benign for Hereditary cancer-predisposing syndrome. Last evaluated: 2014-12-15. Review status: criteria provided, single submitter. Criteria: Ambry Variant Classification Scheme 2023. Collection method: clinical testing. Allele origin: germline.

NM_000548.5(TSC2):c.4080G>A (p.Glu1360=)

Gene: TSC2 (TSC complex subunit 2; plus strand). Cytogenetic location: 16p13.3.
Variant type: single nucleotide variant.
Coding change: c.4080G>A on transcript NM_000548.5 (MANE Select); coding-DNA position 4080, G replaced by A.
Protein change: p.Glu1360=; no amino-acid change (glutamic acid 1360 retained).
Molecular consequence: synonymous variant.
Genome position (GRCh38, 1-based): chr16:2,084,302, G>A. VCF-style: chr16-2084302-G-A. GRCh37 (hg19) VCF-style: chr16-2134303-G-A.
Other names: c.3879G>A, p.Glu1293= (NM_001077183.3); c.4011G>A, p.Glu1337= (NM_001114382.3); c.3771G>A, p.Glu1257= (NM_001318827.2); c.3735G>A, p.Glu1245= (NM_001318829.2); c.3348G>A, p.Glu1116= (NM_001318831.2); c.3912G>A, p.Glu1304= (NM_001318832.2); c.3882G>A, p.Glu1294= (NM_001363528.2); c.3948G>A, p.Glu1316= (NM_001370404.1); and 1 more.
Identifiers: ClinVar variation 187524 (VCV000187524.20), dbSNP rs786203798, ClinGen allele CA019915.